The following is an entry in ClinVar:

NM_001032386.2(SUOX):c.61A>G (p.Ile21Val)

Gene: SUOX (sulfite oxidase; plus strand). Cytogenetic location: 12q13.2.
Variant type: single nucleotide variant.
Coding change: c.61A>G on transcript NM_001032386.2 (MANE Select); coding-DNA position 61, A replaced by G.
Protein change: p.Ile21Val; replaces isoleucine 21 with valine.
Molecular consequence: missense variant.
Genome position (GRCh38, 1-based): chr12:56,002,553, A>G. VCF-style: chr12-56002553-A-G. GRCh37 (hg19) VCF-style: chr12-56396337-A-G.
Other names: c.61A>G, p.Ile21Val (NM_000456.3, NM_001032387.2); c.61A>G (NM_000456.2); short protein forms I21V.
Identifiers: ClinVar variation 1002776 (VCV001002776.9), dbSNP rs755068062, ClinGen allele CA6620871.

ClinVar aggregate classification (germline): Uncertain significance. Review status: criteria provided, multiple submitters, no conflicts (2 of 4 stars). 2 submissions from 2 submitters: Uncertain significance (2). Last evaluated 2025-03-30.

Conditions:
Inborn genetic diseases. Identifiers: MedGen C0950123, MeSH D030342.
Sulfite oxidase deficiency. Also called: Isolated sulfite oxidase deficiency. Identifiers: Orphanet 833, Orphanet 99731, MedGen C0268624, MONDO:0010089, OMIM 272300, HP:0003643.

Allele frequency attached by ClinVar (database versions not stated): TOPMed 0.00001; gnomAD 0.00003 and 0.00004; ExAC 0.00004; gnomAD exomes 0.00004.
gnomAD v4.1: 45 of 1,614,050 alleles (0.0028%); highest among the groups gnomAD compares: East Asian, 0.0045%; no homozygotes.

Submissions (2):

Ambry Genetics
Classification: Uncertain significance for Inborn genetic diseases. Last evaluated: 2025-03-30. Review status: criteria provided, single submitter. Criteria: Ambry Variant Classification Scheme 2023. Collection method: clinical testing. Allele origin: germline.

Labcorp Genetics (formerly Invitae), Labcorp
Classification: Uncertain significance for Sulfite oxidase deficiency. Last evaluated: 2024-10-30. Review status: criteria provided, single submitter. Criteria: Invitae Variant Classification Sherloc (09022015). Collection method: clinical testing. Allele origin: germline.
Comment: This sequence change replaces isoleucine, which is neutral and non-polar, with valine, which is neutral and non-polar, at codon 21 of the SUOX protein (p.Ile21Val). This variant is present in population databases (rs755068062, gnomAD 0.009%). This variant has not been reported in the literature in individuals affected with SUOX-related conditions. ClinVar contains an entry for this variant (Variation ID: 1002776). Invitae Evidence Modeling of protein sequence and biophysical properties (such as structural, functional, and spatial information, amino acid conservation, physicochemical variation, residue mobility, and thermodynamic stability) indicates that this missense variant is not expected to disrupt SUOX protein function with a negative predictive value of 95%. In summary, the available evidence is currently insufficient to determine the role of this variant in disease. Therefore, it has been classified as a Variant of Uncertain Significance.